The following is an entry in ClinVar:

ClinVar aggregate classification (germline): Pathogenic. Review status: criteria provided, multiple submitters, no conflicts (2 of 4 stars). 3 submissions from 3 submitters: Pathogenic (2). 1 of the submissions does not count toward it. Last evaluated 2026-01-20.

Conditions:
Microcephaly. Also called: Microcephaly (disease). Identifiers: MedGen C4551563, MONDO:0001149, HP:0000252.
Intellectual developmental disorder, autosomal recessive 78 (MRT78). Identifiers: MedGen C5830269, MONDO:0859373, OMIM 620237.

Submissions (3):

Institute of Human Genetics, University of Leipzig Medical Center
Classification: Pathogenic for Intellectual developmental disorder, autosomal recessive 78. Last evaluated: 2026-01-20. Review status: criteria provided, single submitter. Criteria: ACMG Guidelines, 2015. Collection method: clinical testing. Allele origin: inherited. Inheritance: Autosomal recessive inheritance. Affected: yes.
Comment: Criteria applied: PM2,PM3,PVS1

Center for Human Genetics and Genomic Medicine, Uniklinik Rwth Aachen
Classification: Pathogenic for Microcephaly. Last evaluated: 2021-05-11. Review status: criteria provided, single submitter. Criteria: ACMG Guidelines, 2015. Collection method: research. Allele origin: inherited. Inheritance: Autosomal recessive inheritance. Affected: yes.

OMIM
Classification: Pathogenic for INTELLECTUAL DEVELOPMENTAL DISORDER, AUTOSOMAL RECESSIVE 78. Last evaluated: 2023-02-08. Review status: no assertion criteria provided. Collection method: literature only. Allele origin: germline. Not counted in ClinVar's aggregate classification.

Literature cited by the submitters: DOI 10.1038/s41431-021-00943-5 (cited by Center for Human Genetics and Genomic Medicine, Uniklinik Rwth Aachen); PubMed 34413497 (cited by OMIM).

NM_018117.12(WDR11):c.1255C>T (p.Gln419Ter)

Gene: WDR11 (WD repeat domain 11; plus strand). Cytogenetic location: 10q26.12.
Variant type: single nucleotide variant.
Coding change: c.1255C>T on transcript NM_018117.12 (MANE Select); coding-DNA position 1255, C replaced by T.
Protein change: p.Gln419Ter; replaces glutamine 419 with a stop codon.
Molecular consequence: nonsense.
Genome position (GRCh38, 1-based): chr10:120,867,130, C>T. VCF-style: chr10-120867130-C-T. GRCh37 (hg19) VCF-style: chr10-122626642-C-T.
Other names: short protein forms Q419*.
Identifiers: ClinVar variation 1098849 (VCV001098849.5), dbSNP rs2133748193, ClinGen allele CA378325218.